The following is an entry in ClinVar:

NM_001020658.2(PUM1):c.3209A>G (p.Asn1070Ser)

Gene: PUM1 (pumilio RNA binding family member 1; minus strand). Cytogenetic location: 1p35.2.
Variant type: single nucleotide variant.
Coding change: c.3209A>G on transcript NM_001020658.2 (MANE Select); coding-DNA position 3209, A replaced by G.
Protein change: p.Asn1070Ser; replaces asparagine 1070 with serine.
Molecular consequence: missense variant.
Genome position (GRCh38, 1-based): chr1:30,941,184, T>C on the plus strand (A>G on the coding strand, the complement: PUM1 is on the minus strand). VCF-style: chr1-30941184-T-C. GRCh37 (hg19) VCF-style: chr1-31414031-T-C.
Other names: c.3203A>G, p.Asn1068Ser (NM_014676.3); short protein forms N1068S, N1070S.
Identifiers: ClinVar variation 3366161 (VCV003366161.1).

ClinVar aggregate classification (germline): Uncertain significance (1 of 4 stars; one submission).

Submission:

GeneDx
Classification: Uncertain significance. Last evaluated: 2023-10-15. Review status: criteria provided, single submitter. Criteria: GeneDx Variant Classification Process June 2021. Collection method: clinical testing. Allele origin: germline. Affected: yes.
Comment: Not observed at significant frequency in large population cohorts (gnomAD); In silico analysis supports that this missense variant does not alter protein structure/function; Has not been previously published as pathogenic or benign to our knowledge